The following is an entry in ClinVar:

ClinVar aggregate classification (germline): Uncertain significance. Review status: criteria provided, multiple submitters, no conflicts (2 of 4 stars). 2 submissions from 2 submitters: Uncertain significance (2). Last evaluated 2022-02-03.

Allele frequency attached by ClinVar (database versions not stated): ExAC 0.00004; 1000 Genomes Project 30x 0.00016; 1000 Genomes Project 0.00020.
gnomAD v4.1: 23 of 1,611,214 alleles (0.0014%); highest among the groups gnomAD compares: African/African-American, 0.004%; no homozygotes.

Submissions (2):

Ambry Genetics
Classification: Uncertain significance. Last evaluated: 2022-02-03. Review status: criteria provided, single submitter. Criteria: Ambry Variant Classification Scheme 2023. Collection method: clinical testing. Allele origin: germline.

Labcorp Genetics (formerly Invitae), Labcorp
Classification: Uncertain significance. Last evaluated: 2021-08-27. Review status: criteria provided, single submitter. Criteria: Invitae Variant Classification Sherloc (09022015). Collection method: clinical testing. Allele origin: germline.
Comment: This sequence change replaces arginine with tryptophan at codon 19 of the LRRC56 protein (p.Arg19Trp). The arginine residue is moderately conserved and there is a moderate physicochemical difference between arginine and tryptophan. This variant is present in population databases (rs576330767, ExAC 0.007%). This variant has not been reported in the literature in individuals affected with LRRC56-related conditions. Algorithms developed to predict the effect of missense changes on protein structure and function are either unavailable or do not agree on the potential impact of this missense change (SIFT: "Deleterious"; PolyPhen-2: "Possibly Damaging"; Align-GVGD: "Class C0"). In summary, the available evidence is currently insufficient to determine the role of this variant in disease. Therefore, it has been classified as a Variant of Uncertain Significance.

NM_198075.4(LRRC56):c.55C>T (p.Arg19Trp)

Gene: LRRC56 (leucine rich repeat containing 56; plus strand). Cytogenetic location: 11p15.5.
Variant type: single nucleotide variant.
Coding change: c.55C>T on transcript NM_198075.4 (MANE Select); coding-DNA position 55, C replaced by T.
Protein change: p.Arg19Trp; replaces arginine 19 with tryptophan.
Molecular consequence: missense variant.
Genome position (GRCh38, 1-based): chr11:540,739, C>T. VCF-style: chr11-540739-C-T. GRCh37 (hg19) VCF-style: chr11-540739-C-T.
Other names: short protein forms R19W.
Identifiers: ClinVar variation 1926108 (VCV001926108.4), dbSNP rs576330767, ClinGen allele CA5779483.